The following is an entry in ClinVar:

NM_000268.4(NF2):c.810+21A>G

Gene: NF2 (NF2, moesin-ezrin-radixin like (MERLIN) tumor suppressor; plus strand). Cytogenetic location: 22q12.2.
Variant type: single nucleotide variant.
Coding change: c.810+21A>G on transcript NM_000268.4 (MANE Select); 21 bases into the intron after coding-DNA position 810, A replaced by G.
Molecular consequence: intron variant.
Genome position (GRCh38, 1-based): chr22:29,661,360, A>G. VCF-style: chr22-29661360-A-G. GRCh37 (hg19) VCF-style: chr22-30057349-A-G.
Other names: c.810+21A>G (NM_016418.5, NM_181832.3, NM_001407060.1 and 2 more transcripts); c.696+21A>G (NM_001407056.1, NM_001407053.1); c.579+21A>G (NM_001407067.1); c.276+21A>G (NM_001407065.1); c.675+3096A>G (NM_001407059.1, NM_001407057.1); c.447+19075A>G (NM_181833.3); c.687+21A>G (NM_001407058.1, NM_181829.3, NM_001407054.1); c.552+3096A>G (NM_001407062.1); and 2 more.
Identifiers: ClinVar variation 3036696 (VCV003036696.2), dbSNP rs369574656, ClinGen allele CA10175567.

ClinVar aggregate classification (germline): Likely benign (0 of 4 stars; one submission).

Conditions:
NF2-related disorder. Also called: NF2-related condition.

Allele frequency attached by ClinVar (database versions not stated): gnomAD exomes 0.00002; gnomAD 0.00008; ExAC 0.00003; ESP Exome Variant Server 0.00008.
gnomAD v4.1: 35 of 1,612,870 alleles (0.0022%); highest among the groups gnomAD compares: African/African-American, 0.044%; no homozygotes.

Submission:

PreventionGenetics, part of Exact Sciences
Classification: Likely benign for NF2-related condition. Last evaluated: 2022-04-27. Review status: no assertion criteria provided. Collection method: clinical testing. Allele origin: germline.
Comment: This variant is classified as likely benign based on ACMG/AMP sequence variant interpretation guidelines (Richards et al. 2015 PMID: 25741868, with internal and published modifications).